The following is an entry in ClinVar:

ClinVar aggregate classification (germline): Likely benign (1 of 4 stars; one submission).

Allele frequency attached by ClinVar (database versions not stated): gnomAD exomes below 0.00001; gnomAD 0.00001; TOPMed 0.00001.
gnomAD v4.1: 7 of 1,612,156 alleles (0.00043%); highest among the groups gnomAD compares: Middle Eastern, 0.016%; no homozygotes.

Submission:

CeGaT Center for Human Genetics Tuebingen
Classification: Likely benign. Last evaluated: 2024-01-01. Review status: criteria provided, single submitter. Criteria: CeGaT Center For Human Genetics Tuebingen Variant Classification Criteria Version 2. Collection method: clinical testing. Allele origin: germline. Affected: yes. Observed: 1 variant allele.
Comment: CACNA1H: BP4, BP7

NM_021098.3(CACNA1H):c.339C>T (p.Asn113=)

Gene: CACNA1H (calcium voltage-gated channel subunit alpha1 H; plus strand). Cytogenetic location: 16p13.3.
Variant type: single nucleotide variant.
Coding change: c.339C>T on transcript NM_021098.3 (MANE Select); coding-DNA position 339, C replaced by T.
Protein change: p.Asn113=; no amino-acid change (asparagine 113 retained).
Molecular consequence: synonymous variant.
Genome position (GRCh38, 1-based): chr16:1,195,011, C>T. VCF-style: chr16-1195011-C-T. GRCh37 (hg19) VCF-style: chr16-1245011-C-T.
Other names: c.339C>T, p.Asn113= (NM_001005407.2).
Identifiers: ClinVar variation 3026562 (VCV003026562.22), dbSNP rs1448839205, ClinGen allele CA492886264.